The following is an entry in ClinVar:

NM_024809.5(TCTN2):c.1612C>T (p.Arg538Cys)

Gene: TCTN2 (tectonic family member 2; plus strand). Cytogenetic location: 12q24.31.
Variant type: single nucleotide variant.
Coding change: c.1612C>T on transcript NM_024809.5 (MANE Select); coding-DNA position 1612, C replaced by T.
Protein change: p.Arg538Cys; replaces arginine 538 with cysteine.
Molecular consequence: missense variant.
Genome position (GRCh38, 1-based): chr12:123,699,810, C>T. VCF-style: chr12-123699810-C-T. GRCh37 (hg19) VCF-style: chr12-124184357-C-T.
Other names: c.1609C>T, p.Arg537Cys (NM_001143850.3); short protein forms R538C, R537C.
Identifiers: ClinVar variation 453098 (VCV000453098.5), dbSNP rs561214391, ClinGen allele CA6861268.

ClinVar aggregate classification (germline): Uncertain significance. Review status: criteria provided, multiple submitters, no conflicts (2 of 4 stars). 3 submissions from 3 submitters: Uncertain significance (3). Last evaluated 2024-05-30.

Conditions:
Meckel-Gruber syndrome. Also called: DYSENCEPHALIA SPLANCHNOCYSTICA; GRUBER SYNDROME; Dysencephalia splachnocystica. Identifiers: Orphanet 564, MedGen C0265215, MONDO:0018921.
Joubert syndrome. Also called: CEREBELLOPARENCHYMAL DISORDER IV; JOUBERT-BOLTSHAUSER SYNDROME; Familial aplasia of the vermis. Identifiers: Orphanet 475, MedGen C5979921, MONDO:0018772.
Meckel syndrome, type 8. Identifiers: Orphanet 564, MedGen C3836857, MONDO:0013482, OMIM 613885.
Joubert syndrome 24 (JBTS24). Identifiers: Orphanet 475, MedGen C4084841, MONDO:0014724, OMIM 616654.

Allele frequency attached by ClinVar (database versions not stated): ExAC 0.00001; gnomAD exomes 0.00001 and 0.00002; gnomAD 0.00002; TOPMed 0.00003.

Submissions (3):

Fulgent Genetics
Classification: Uncertain significance for Meckel syndrome, type 8; Joubert syndrome 24. Last evaluated: 2024-05-30. Review status: criteria provided, single submitter. Criteria: ACMG Guidelines, 2015. Collection method: clinical testing. Allele origin: germline.

Labcorp Genetics (formerly Invitae), Labcorp
Classification: Uncertain significance for Joubert syndrome; Meckel-Gruber syndrome. Last evaluated: 2022-08-07. Review status: criteria provided, single submitter. Criteria: Invitae Variant Classification Sherloc (09022015). Collection method: clinical testing. Allele origin: germline.
Comment: This sequence change replaces arginine, which is basic and polar, with cysteine, which is neutral and slightly polar, at codon 538 of the TCTN2 protein (p.Arg538Cys). This variant is present in population databases (rs561214391, gnomAD 0.01%). This variant has not been reported in the literature in individuals affected with TCTN2-related conditions. ClinVar contains an entry for this variant (Variation ID: 453098). Algorithms developed to predict the effect of missense changes on protein structure and function are either unavailable or do not agree on the potential impact of this missense change (SIFT: "Deleterious"; PolyPhen-2: "Benign"; Align-GVGD: "Class C25"). In summary, the available evidence is currently insufficient to determine the role of this variant in disease. Therefore, it has been classified as a Variant of Uncertain Significance.

GeneDx
Classification: Uncertain significance. Last evaluated: 2017-11-02. Review status: criteria provided, single submitter. Criteria: GeneDx Variant Classification (06012015). Collection method: clinical testing. Allele origin: germline. Affected: yes.
Comment: A variant of uncertain significance has been identified in the TCTN2 gene. The R538C variant has not been published as a pathogenic variant, nor has it been reported as a benign variant to our knowledge. This variant is observed in 3/23972 (0.01%) alleles from individuals of African background, in large population cohorts (Lek et al., 2016). Thissubstitution occurs at a position that is not conserved. However, the R538C variant is a non-conservative amino acidsubstitution, which is likely to impact secondary protein structure as these residues differ in polarity, charge, size and/or other properties. Additionally, in silico analysis predicts this variant is probably damaging to the protein structure/function. Therefore, based on the currently available information, it is unclear whether this variant is a pathogenic variant or a rare benign variant.